The following is an entry in ClinVar:

ClinVar aggregate classification (germline): Likely benign (1 of 4 stars; one submission).

Allele frequency attached by ClinVar (database versions not stated): TOPMed 0.00002; gnomAD 0.00005; ESP Exome Variant Server 0.00008; gnomAD exomes 0.00010; ExAC 0.00034; 1000 Genomes Project 30x 0.00078; 1000 Genomes Project 0.00080.
gnomAD v4.1: 160 of 1,614,004 alleles (0.0099%); highest among the groups gnomAD compares: South Asian, 0.15%; 3 homozygotes.

Submission:

CeGaT Center for Human Genetics Tuebingen
Classification: Likely benign. Last evaluated: 2022-10-01. Review status: criteria provided, single submitter. Criteria: CeGaT Center For Human Genetics Tuebingen Variant Classification Criteria Version 2. Collection method: clinical testing. Allele origin: germline. Affected: yes. Observed: 1 variant allele.
Comment: SNX25: BP4, BP7

NM_001378034.2(SNX25):c.2760C>T (p.Thr920=)

Gene: SNX25 (sorting nexin 25; plus strand). Cytogenetic location: 4q35.1.
Variant type: single nucleotide variant.
Coding change: c.2760C>T on transcript NM_001378034.2 (MANE Select); coding-DNA position 2760, C replaced by T.
Protein change: p.Thr920=; no amino-acid change (threonine 920 retained).
Molecular consequence: synonymous variant. On other transcripts: non-coding transcript variant (1).
Genome position (GRCh38, 1-based): chr4:185,362,032, C>T. VCF-style: chr4-185362032-C-T. GRCh37 (hg19) VCF-style: chr4-186283186-C-T.
Other names: c.2268C>T, p.Thr756= (NM_001317781.2); c.2859C>T, p.Thr953= (NM_001378032.2); c.2595C>T, p.Thr865= (NM_001378035.2, NM_001378037.2); c.2760C>T, p.Thr920= (NM_001378036.2, NM_001423234.1).
Identifiers: ClinVar variation 2655211 (VCV002655211.24), dbSNP rs368020318, ClinGen allele CA3157650.